The following is an entry in ClinVar:

NM_000135.4(FANCA):c.3362C>T (p.Ser1121Phe)

Gene: FANCA (FA complementation group A; minus strand). Cytogenetic location: 16q24.3.
Variant type: single nucleotide variant.
Coding change: c.3362C>T on transcript NM_000135.4 (MANE Select); coding-DNA position 3362, C replaced by T.
Protein change: p.Ser1121Phe; replaces serine 1121 with phenylalanine.
Molecular consequence: missense variant.
Genome position (GRCh38, 1-based): chr16:89,746,877, G>A on the plus strand (C>T on the coding strand, the complement: FANCA is on the minus strand). VCF-style: chr16-89746877-G-A. GRCh37 (hg19) VCF-style: chr16-89813285-G-A.
Other names: c.3362C>T, p.Ser1121Phe (NM_001286167.3); short protein forms S1121F.
Identifiers: ClinVar variation 4254317 (VCV004254317.1).
Genomic context (GRCh38, chr16:89,746,877, plus strand): 5'-AGGGAGCATCTCACCCTGAAGAAGTGGGCAGTGATGTCCTGTGTCAGGGCACCTCCGTGG[G>A]AGCAGAAGTTTCTCTGCAAAAGAGTTCAAGGCAGGTAAGAAAAGCCCACAGGAAGAGAGG-3'
Protein context (NP_000126.2, residues 1111-1131): LVNSEMRNFC[Ser1121Phe]HGGALTQDIT

ClinVar aggregate classification (germline): Uncertain significance (1 of 4 stars; one submission).

Conditions:
Inborn genetic diseases. Identifiers: MedGen C0950123, MeSH D030342.

Submission:

Ambry Genetics
Classification: Uncertain significance for Inborn genetic diseases. Last evaluated: 2025-08-28. Review status: criteria provided, single submitter. Criteria: Ambry Variant Classification Scheme 2023. Collection method: clinical testing. Allele origin: germline.
Comment: The p.S1121F variant (also known as c.3362C>T), located in coding exon 34 of the FANCA gene, results from a C to T substitution at nucleotide position 3362. The serine at codon 1121 is replaced by phenylalanine, an amino acid with highly dissimilar properties. This amino acid position is conserved. In addition, this alteration is predicted to be tolerated by in silico analysis. Based on the available evidence, the clinical significance of this variant remains unclear.